The following is an entry in ClinVar:

NM_004523.4(KIF11):c.2809A>G (p.Thr937Ala)

Gene: KIF11 (kinesin family member 11; plus strand). Cytogenetic location: 10q23.33.
Variant type: single nucleotide variant.
Coding change: c.2809A>G on transcript NM_004523.4 (MANE Select); coding-DNA position 2809, A replaced by G.
Protein change: p.Thr937Ala; replaces threonine 937 with alanine.
Molecular consequence: missense variant.
Genome position (GRCh38, 1-based): chr10:92,649,873, A>G. VCF-style: chr10-92649873-A-G. GRCh37 (hg19) VCF-style: chr10-94409630-A-G.
Other names: short protein forms T937A.
Identifiers: ClinVar variation 3677143 (VCV003677143.2).

ClinVar aggregate classification (germline): Uncertain significance (1 of 4 stars; one submission).

Submission:

Labcorp Genetics (formerly Invitae), Labcorp
Classification: Uncertain significance. Last evaluated: 2024-04-26. Review status: criteria provided, single submitter. Criteria: Invitae Variant Classification Sherloc (09022015). Collection method: clinical testing. Allele origin: germline.
Comment: This sequence change replaces threonine, which is neutral and polar, with alanine, which is neutral and non-polar, at codon 937 of the KIF11 protein (p.Thr937Ala). This variant is not present in population databases (gnomAD no frequency). This variant has not been reported in the literature in individuals affected with KIF11-related conditions. Advanced modeling of protein sequence and biophysical properties (such as structural, functional, and spatial information, amino acid conservation, physicochemical variation, residue mobility, and thermodynamic stability) performed at Invitae indicates that this missense variant is not expected to disrupt KIF11 protein function with a negative predictive value of 80%. In summary, the available evidence is currently insufficient to determine the role of this variant in disease. Therefore, it has been classified as a Variant of Uncertain Significance.